The following is an entry in ClinVar:

ClinVar aggregate classification (germline): Uncertain significance (1 of 4 stars; one submission).

Conditions:
Oligodontia-cancer predisposition syndrome. Also called: TOOTH AGENESIS-COLORECTAL CANCER SYNDROME. Identifiers: Orphanet 300576, MedGen C1837750, MONDO:0012075, OMIM 608615. Disease mechanism: loss of function.

Submission:

Labcorp Genetics (formerly Invitae), Labcorp
Classification: Uncertain significance for Oligodontia-cancer predisposition syndrome. Last evaluated: 2023-12-21. Review status: criteria provided, single submitter. Criteria: Invitae Variant Classification Sherloc (09022015). Collection method: clinical testing. Allele origin: germline.
Comment: This sequence change replaces aspartic acid, which is acidic and polar, with tyrosine, which is neutral and polar, at codon 310 of the AXIN2 protein (p.Asp310Tyr). This variant is not present in population databases (gnomAD no frequency). This variant has not been reported in the literature in individuals affected with AXIN2-related conditions. Advanced modeling of protein sequence and biophysical properties (such as structural, functional, and spatial information, amino acid conservation, physicochemical variation, residue mobility, and thermodynamic stability) performed at Invitae indicates that this missense variant is expected to disrupt AXIN2 protein function with a positive predictive value of 80%. In summary, the available evidence is currently insufficient to determine the role of this variant in disease. Therefore, it has been classified as a Variant of Uncertain Significance.

NM_004655.4(AXIN2):c.928G>T (p.Asp310Tyr)

Gene: AXIN2 (axin 2; minus strand). Cytogenetic location: 17q24.1.
Variant type: single nucleotide variant.
Coding change: c.928G>T on transcript NM_004655.4 (MANE Select); coding-DNA position 928, G replaced by T.
Protein change: p.Asp310Tyr; replaces aspartic acid 310 with tyrosine.
Molecular consequence: missense variant.
Genome position (GRCh38, 1-based): chr17:65,549,548, C>A on the plus strand (G>T on the coding strand, the complement: AXIN2 is on the minus strand). VCF-style: chr17-65549548-C-A. GRCh37 (hg19) VCF-style: chr17-63545666-C-A.
Other names: c.928G>T, p.Asp310Tyr (NM_001363813.1); short protein forms D310Y.
Identifiers: ClinVar variation 2704637 (VCV002704637.3), dbSNP rs2144538033, ClinGen allele CA400679478.
Genomic context (GRCh38, chr17:65,549,548, plus strand): 5'-CAAGCCCACGGAAGGGTGGCCAGGATACTCACACACTGCTGTCCGTCATGGACATGGAAT[C>A]ATCCGTCAGCGCATCACTGGATATCTCACTGTCGTTGGCGCTGGTGGCTGGTGCAAAGAC-3'
Protein context (NP_004646.3, residues 300-320): SEISSDALTD[Asp310Tyr]SMSMTDSSVD